The following is an entry in ClinVar:

NM_173560.4(RFX6):c.199G>C (p.Glu67Gln)

Genes: RFX6 (regulatory factor X6; plus strand), LOC127407129 (RFX6 promoter region; plus strand). Cytogenetic location: 6q22.1.
Variant type: single nucleotide variant.
Coding change: c.199G>C on transcript NM_173560.4 (MANE Select); coding-DNA position 199, G replaced by C.
Protein change: p.Glu67Gln; replaces glutamic acid 67 with glutamine.
Molecular consequence: missense variant.
Genome position (GRCh38, 1-based): chr6:116,877,474, G>C. VCF-style: chr6-116877474-G-C. GRCh37 (hg19) VCF-style: chr6-117198637-G-C.
Other names: short protein forms E67Q.
Identifiers: ClinVar variation 4828562 (VCV004828562.1).

ClinVar aggregate classification (germline): Uncertain significance (1 of 4 stars; one submission).

Conditions:
Inborn genetic diseases. Identifiers: MedGen C0950123, MeSH D030342.

gnomAD v4.1: 38 of 1,562,244 alleles (0.0024%); highest among the groups gnomAD compares: Non-Finnish European, 0.003%; no homozygotes.

Submission:

Ambry Genetics
Classification: Uncertain significance for Inborn genetic diseases. Last evaluated: 2026-03-03. Review status: criteria provided, single submitter. Criteria: Ambry Variant Classification Scheme 2023. Collection method: clinical testing. Allele origin: germline.
Comment: The c.199G>C (p.E67Q) alteration is located in exon 1 (coding exon 1) of the RFX6 gene. This alteration results from a G to C substitution at nucleotide position 199, causing the glutamic acid (E) at amino acid position 67 to be replaced by a glutamine (Q). Based on data from gnomAD, the C allele has an overall frequency of 0.001% (1/166486) total alleles studied. The highest observed frequency was 0.002% (1/66576) of European (non-Finnish) alleles. Based on insufficient or conflicting evidence, the clinical significance of this alteration remains unclear.